The following is an entry in ClinVar:

NM_001102564.3(IFT43):c.368+2T>A

Gene: IFT43 (intraflagellar transport 43; plus strand). Cytogenetic location: 14q24.3.
Variant type: single nucleotide variant.
Coding change: c.368+2T>A on transcript NM_001102564.3 (MANE Select); the canonical splice donor site of the intron after coding-DNA position 368, T replaced by A.
Molecular consequence: splice donor variant.
Genome position (GRCh38, 1-based): chr14:76,082,369, T>A. VCF-style: chr14-76082369-T-A. GRCh37 (hg19) VCF-style: chr14-76548712-T-A.
Other names: c.383+2T>A (NM_052873.3).
Identifiers: ClinVar variation 1495638 (VCV001495638.8), dbSNP rs2140099474, ClinGen allele CA390474090.
Genomic context (GRCh38, chr14:76,082,369, plus strand): 5'-CCGGATCTGGAGGAAGTACAGGAAGAAGACTTTGTTTTGCAGGTGGCAGCCCCTCCCAGG[T>A]AGGTTAAATCAGATATGATTGGGGAGGCAAAGAACACGTGAATTAATACACTCCAGATAT-3'

ClinVar aggregate classification (germline): Likely pathogenic (1 of 4 stars; one submission).

Allele frequency attached by ClinVar (database versions not stated): gnomAD exomes 0.00001.
gnomAD v4.1: 11 of 1,582,510 alleles (0.0007%); highest among the groups gnomAD compares: Non-Finnish European, 0.00096%; no homozygotes.

Submission:

Labcorp Genetics (formerly Invitae), Labcorp
Classification: Likely pathogenic. Last evaluated: 2025-05-05. Review status: criteria provided, single submitter. Criteria: Invitae Variant Classification Sherloc (09022015). Collection method: clinical testing. Allele origin: germline.
Comment: This sequence change affects a donor splice site in intron 5 of the IFT43 gene. It is expected to disrupt RNA splicing. Variants that disrupt the donor or acceptor splice site typically lead to a loss of protein function (PMID: 16199547), and loss-of-function variants in IFT43 are known to be pathogenic (PMID: 21378380, 28400947). This variant is not present in population databases (gnomAD no frequency). This variant has not been reported in the literature in individuals affected with IFT43-related conditions. ClinVar contains an entry for this variant (Variation ID: 1495638). Algorithms developed to predict the effect of sequence changes on RNA splicing suggest that this variant may disrupt the consensus splice site. In summary, the currently available evidence indicates that the variant is pathogenic, but additional data are needed to prove that conclusively. Therefore, this variant has been classified as Likely Pathogenic.

Literature cited by the submitters: PubMed 16199547; PubMed 21378380; PubMed 28400947.